The following is an entry in ClinVar:

ClinVar aggregate classification (germline): Uncertain significance (1 of 4 stars; one submission).

Allele frequency attached by ClinVar (database versions not stated): TOPMed 0.00002; gnomAD exomes 0.00006 and 0.00014; 1000 Genomes Project 30x 0.00016; gnomAD 0.00016; ExAC 0.00019; 1000 Genomes Project 0.00020.
gnomAD v4.1: 108 of 1,614,030 alleles (0.0067%); highest among the groups gnomAD compares: Non-Finnish European, 0.0012%; no homozygotes.

Submission:

Labcorp Genetics (formerly Invitae), Labcorp
Classification: Uncertain significance. Last evaluated: 2021-08-15. Review status: criteria provided, single submitter. Criteria: Invitae Variant Classification Sherloc (09022015). Collection method: clinical testing. Allele origin: germline.
Comment: This sequence change replaces proline with threonine at codon 940 of the LAMC3 protein (p.Pro940Thr). The proline residue is highly conserved and there is a small physicochemical difference between proline and threonine. This variant is present in population databases (rs202226566, ExAC 0.2%). This variant has not been reported in the literature in individuals with LAMC3-related conditions. Algorithms developed to predict the effect of missense changes on protein structure and function are either unavailable or do not agree on the potential impact of this missense change (SIFT: "Deleterious"; PolyPhen-2: "Possibly Damaging"; Align-GVGD: "Class C0"). In summary, the available evidence is currently insufficient to determine the role of this variant in disease. Therefore, it has been classified as a Variant of Uncertain Significance.

NM_006059.4(LAMC3):c.2818C>A (p.Pro940Thr)

Gene: LAMC3 (laminin subunit gamma 3; plus strand). Cytogenetic location: 9q34.12.
Variant type: single nucleotide variant.
Coding change: c.2818C>A on transcript NM_006059.4 (MANE Select); coding-DNA position 2818, C replaced by A.
Protein change: p.Pro940Thr; replaces proline 940 with threonine.
Molecular consequence: missense variant.
Genome position (GRCh38, 1-based): chr9:131,068,978, C>A. VCF-style: chr9-131068978-C-A. GRCh37 (hg19) VCF-style: chr9-133944365-C-A.
Other names: short protein forms P940T.
Identifiers: ClinVar variation 1464717 (VCV001464717.6), dbSNP rs202226566, ClinGen allele CA5287586.